The following is an entry in ClinVar:

NM_004656.4(BAP1):c.1618C>G (p.Arg540Gly)

Gene: BAP1 (BRCA1 associated deubiquitinase 1; minus strand). Cytogenetic location: 3p21.1.
Variant type: single nucleotide variant.
Coding change: c.1618C>G on transcript NM_004656.4 (MANE Select); coding-DNA position 1618, C replaced by G.
Protein change: p.Arg540Gly; replaces arginine 540 with glycine.
Molecular consequence: missense variant.
Genome position (GRCh38, 1-based): chr3:52,403,527, G>C on the plus strand (C>G on the coding strand, the complement: BAP1 is on the minus strand). VCF-style: chr3-52403527-G-C. GRCh37 (hg19) VCF-style: chr3-52437543-G-C.
Other names: c.1564C>G, p.Arg522Gly (NM_001410772.1); short protein forms R522G, R540G.
Identifiers: ClinVar variation 2792339 (VCV002792339.3), dbSNP rs903346372, ClinGen allele CA353100285.
Genomic context (GRCh38, chr3:52,403,527, plus strand): 5'-CTGTGCTGATGACAGGACCCAGATCACGGACAGCACGGTTGTAGCGTATGCAGTCAACAC[G>C]CAGCAGGCTGTCATCCTCTCCAAAAAGCACCTTGGAGATGTGGGAGGTGACAGGGCTGGA-3'
Protein context (NP_004647.1, residues 530-550): VLFGEDDSLL[Arg540Gly]VDCIRYNRAV

ClinVar aggregate classification (germline): Uncertain significance (1 of 4 stars; one submission).

Conditions:
BAP1-related tumor predisposition syndrome (TPDS1). Also called: Tumor susceptibility linked to germline BAP1 mutations; TUMOR PREDISPOSITION SYNDROME 1; BAP1 tumor predisposition syndrome; COMMON Syndrome. Identifiers: Orphanet 289539, MedGen C3280492, MONDO:0013692, OMIM 614327.

Submission:

Labcorp Genetics (formerly Invitae), Labcorp
Classification: Uncertain significance for BAP1-related tumor predisposition syndrome. Last evaluated: 2023-03-19. Review status: criteria provided, single submitter. Criteria: Invitae Variant Classification Sherloc (09022015). Collection method: clinical testing. Allele origin: germline.
Comment: In summary, the available evidence is currently insufficient to determine the role of this variant in disease. Therefore, it has been classified as a Variant of Uncertain Significance. This sequence change replaces arginine, which is basic and polar, with glycine, which is neutral and non-polar, at codon 540 of the BAP1 protein (p.Arg540Gly). This variant is not present in population databases (gnomAD no frequency). This variant has not been reported in the literature in individuals affected with BAP1-related conditions. Advanced modeling of protein sequence and biophysical properties (such as structural, functional, and spatial information, amino acid conservation, physicochemical variation, residue mobility, and thermodynamic stability) performed at Invitae indicates that this missense variant is not expected to disrupt BAP1 protein function.